The following is an entry in ClinVar:

NM_002439.5(MSH3):c.1147A>C (p.Lys383Gln)

Gene: MSH3 (mutS homolog 3; plus strand). Cytogenetic location: 5q14.1.
Variant type: single nucleotide variant.
Coding change: c.1147A>C on transcript NM_002439.5 (MANE Select); coding-DNA position 1147, A replaced by C.
Protein change: p.Lys383Gln; replaces lysine 383 with glutamine.
Molecular consequence: missense variant.
Genome position (GRCh38, 1-based): chr5:80,675,102, A>C. VCF-style: chr5-80675102-A-C. GRCh37 (hg19) VCF-style: chr5-79970921-A-C.
Other names: c.1147A>C (NM_002439.3); short protein forms K383Q.
Identifiers: ClinVar variation 1401308 (VCV001401308.8), dbSNP rs2112816098, ClinGen allele CA360268281.
Genomic context (GRCh38, chr5:80,675,102, plus strand): 5'-ACTTCTACCAGCTATCTTCTGTGCATCTCTGAAAATAAGGAAAATGTTAGGGACAAAAAA[A>C]AGGGCAACATTTTTATTGGCATTGTGGTAAGTACTTTGCAGGTGAGGAACAAATGTTAGA-3'
Protein context (NP_002430.3, residues 373-393): ENKENVRDKK[Lys383Gln]GNIFIGIVGV

ClinVar aggregate classification (germline): Uncertain significance. Review status: criteria provided, multiple submitters, no conflicts (2 of 4 stars). 2 submissions from 2 submitters: Uncertain significance (2). Last evaluated 2024-08-30.

Conditions:
Hereditary cancer-predisposing syndrome. Also called: Hereditary Cancer Syndrome; Hereditary neoplastic syndrome; Tumor predisposition; Neoplastic Syndromes, Hereditary. Identifiers: Orphanet 140162, MedGen C0027672, MeSH D009386, MONDO:0015356.

Submissions (2):

Ambry Genetics
Classification: Uncertain significance for Hereditary cancer-predisposing syndrome. Last evaluated: 2024-08-30. Review status: criteria provided, single submitter. Criteria: Ambry Variant Classification Scheme 2023. Collection method: clinical testing. Allele origin: germline.
Comment: The p.K383Q variant (also known as c.1147A>C), located in coding exon 7 of the MSH3 gene, results from an A to C substitution at nucleotide position 1147. The lysine at codon 383 is replaced by glutamine, an amino acid with similar properties. This amino acid position is conserved. In addition, this alteration is predicted to be tolerated by in silico analysis. Based on the available evidence, the clinical significance of this variant remains unclear.

Labcorp Genetics (formerly Invitae), Labcorp
Classification: Uncertain significance. Last evaluated: 2024-08-27. Review status: criteria provided, single submitter. Criteria: Invitae Variant Classification Sherloc (09022015). Collection method: clinical testing. Allele origin: germline.
Comment: This sequence change replaces lysine, which is basic and polar, with glutamine, which is neutral and polar, at codon 383 of the MSH3 protein (p.Lys383Gln). This variant is not present in population databases (gnomAD no frequency). This variant has not been reported in the literature in individuals affected with MSH3-related conditions. ClinVar contains an entry for this variant (Variation ID: 1401308). An algorithm developed to predict the effect of missense changes on protein structure and function (PolyPhen-2) suggests that this variant¬†is likely to be tolerated. In summary, the available evidence is currently insufficient to determine the role of this variant in disease. Therefore, it has been classified as a Variant of Uncertain Significance.